The following is an entry in ClinVar:

ClinVar aggregate classification (germline): Conflicting classifications of pathogenicity. Review status: criteria provided, conflicting classifications (1 of 4 stars). 3 submissions from 3 submitters: Pathogenic (2); Uncertain significance (1). Last evaluated 2025-12-22.

Conditions:
Early-infantile DEE. Also called: Early infantile epileptic encephalopathy; Early infantile epileptic encephalopathy with suppression bursts; Ohtahara syndrome. Identifiers: Orphanet 1934, MedGen C0393706, MONDO:0800491.

Submissions (3):

Labcorp Genetics (formerly Invitae), Labcorp
Classification: Pathogenic for Early-infantile DEE. Last evaluated: 2025-12-22. Review status: criteria provided, single submitter. Criteria: Invitae Variant Classification Sherloc (09022015). Collection method: clinical testing. Allele origin: germline.
Comment: This variant, c.4507_4509del, results in the deletion of 1 amino acid(s) of the SCN1A protein (p.Glu1503del), but otherwise preserves the integrity of the reading frame. This variant is not present in population databases (gnomAD no frequency). This variant has been observed in individual(s) with autosomal dominant SCN1A-related conditions (PMID: 23195492, 28012175). ClinVar contains an entry for this variant (Variation ID: 3384846). This variant disrupts a region of the SCN1A protein in which other variant(s) (p.Glu1503Lys) have been determined to be pathogenic (PMID: 19783390, 23195492; internal data). This suggests that this is a clinically significant region of the protein, and that variants that disrupt it are likely to be disease-causing. For these reasons, this variant has been classified as Pathogenic.

Women's Health and Genetics/Laboratory Corporation of America, LabCorp
Classification: Uncertain significance. Last evaluated: 2025-06-02. Review status: criteria provided, single submitter. Criteria: LabCorp Variant Classification Summary - May 2015. Collection method: clinical testing. Allele origin: germline.
Comment: Variant summary: SCN1A c.4507_4509delGAA (p.Glu1503del) results in an in-frame deletion that is predicted to remove one amino acids from the encoded protein. The variant was absent in 250318 control chromosomes.c.4507_4509delGAA has been reported in the literature as de novo in at least one individual affected with Borderline Severe Myoclonic Epilepsy Of Infancy (Wang_2012). These data do not allow any conclusion about variant significance. To our knowledge, no experimental evidence demonstrating an impact on protein function has been reported. The following publications have been ascertained in the context of this evaluation (PMID: 28012175, 23195492). ClinVar contains an entry for this variant (Variation ID: 3384846). Based on the evidence outlined above, the variant was classified as VUS-possibly pathogenic.

GeneDx
Classification: Pathogenic. Last evaluated: 2025-03-25. Review status: criteria provided, single submitter. Criteria: GeneDx Variant Classification Process June 2021. Collection method: clinical testing. Allele origin: germline. Affected: yes.
Comment: Not observed at significant frequency in large population cohorts (gnomAD); In-frame deletion of 1 amino acid(s) in a non-repeat region; In silico analysis supports a deleterious effect on protein structure/function; This variant is associated with the following publications: (PMID: 23195492, 35359575)

Literature cited by the submitters: PubMed 23195492 (cited by Labcorp Genetics (formerly Invitae), Labcorp and Women's Health and Genetics/Laboratory Corporation of America, LabCorp); PubMed 28012175 (cited by Labcorp Genetics (formerly Invitae), Labcorp and Women's Health and Genetics/Laboratory Corporation of America, LabCorp); PubMed 19783390 (cited by Labcorp Genetics (formerly Invitae), Labcorp).

NM_001165963.4(SCN1A):c.4504GAA[1] (p.Glu1503del)

Genes: SCN1A (sodium voltage-gated channel alpha subunit 1; minus strand), LOC102724058 (uncharacterized LOC102724058; plus strand). Cytogenetic location: 2q24.3.
Variant type: Microsatellite.
Coding change: c.4504GAA[1] on transcript NM_001165963.4 (MANE Select); one copy of the 3-base unit GAA starting at c.4504; the reference has two copies in a row; one copy, 3 bases deleted; also written c.4507_4509del.
Protein change: p.Glu1503del; deletes glutamic acid 1503.
Molecular consequence: non-coding transcript variant (on NR_148667.2).
Genome position (GRCh38, 1-based): chr2:165,996,085-165,996,087, TTC deleted on the plus strand (GAA on the coding strand, the reverse complement: SCN1A is on the minus strand); deleting any 3 consecutive bases within chr2:165,996,085-165,996,091 gives the same sequence; the position shown is the placement nearest the transcript's 3' end. VCF-style (leftmost placement, unchanged base first): chr2-165996084-GTTC-G. GRCh37 (hg19) VCF-style: chr2-166852594-GTTC-G.
Other names: c.4420GAA[1], p.Glu1475del (NM_001165964.3, NM_001353957.2, NM_001353958.2); c.4504GAA[1], p.Glu1503del (NM_001202435.3, NM_001353948.2); c.4471GAA[1], p.Glu1492del (NM_001353949.2, NM_001353950.2, NM_001353951.2 and 2 more transcripts); c.4468GAA[1], p.Glu1491del (NM_001353954.2, NM_001353955.2); c.4417GAA[1], p.Glu1474del (NM_001353960.2); c.2062GAA[1], p.Glu689del (NM_001353961.2); c.4507_4509delGAA (NM_001165963.4); c.4507_4509del (NM_001165963.1); short protein forms E1474del, E1475del, E1491del, E1492del, E1503del, E689del.
Identifiers: ClinVar variation 3384846 (VCV003384846.4).